The following is an entry in ClinVar:

ClinVar aggregate classification (germline): Uncertain significance (1 of 4 stars; one submission).

Submission:

Labcorp Genetics (formerly Invitae), Labcorp
Classification: Uncertain significance. Last evaluated: 2025-12-01. Review status: criteria provided, single submitter. Criteria: Invitae Variant Classification Sherloc (09022015). Collection method: clinical testing. Allele origin: germline.
Comment: This sequence change falls in intron 16 of the COL4A5 gene. It does not directly change the encoded amino acid sequence of the COL4A5 protein. This variant is not present in population databases (gnomAD no frequency). This variant has been observed in individual(s) with clinical features of COL4A5-related conditions (internal data). ClinVar contains an entry for this variant (Variation ID: 1018812). Algorithms developed to predict the effect of sequence changes on RNA splicing suggest that this variant may disrupt the consensus splice site. In summary, the available evidence is currently insufficient to determine the role of this variant in disease. Therefore, it has been classified as a Variant of Uncertain Significance.

NM_033380.3(COL4A5):c.936+9C>G

Gene: COL4A5 (collagen type IV alpha 5 chain; plus strand). Cytogenetic location: Xq22.3.
Variant type: single nucleotide variant.
Coding change: c.936+9C>G on transcript NM_033380.3 (MANE Select); 9 bases into the intron after coding-DNA position 936, C replaced by G.
Molecular consequence: intron variant.
Genome position (GRCh38, 1-based): chrX:108,581,036, C>G. VCF-style: chrX-108581036-C-G. GRCh37 (hg19) VCF-style: chrX-107824266-C-G.
Other names: c.936+9C>G (NM_000495.5).
Identifiers: ClinVar variation 1018812 (VCV001018812.10), dbSNP rs2066238622, ClinGen allele CA2450683209.